The following is an entry in ClinVar:

ClinVar aggregate classification (germline): Benign/Likely benign. Review status: criteria provided, multiple submitters, no conflicts (2 of 4 stars). 2 submissions from 2 submitters: Benign (1); Likely benign (1). Last evaluated 2024-02-23.

Conditions:
Hereditary cancer-predisposing syndrome. Also called: Neoplastic Syndromes, Hereditary; Tumor predisposition; Hereditary neoplastic syndrome; Hereditary Cancer Syndrome. Identifiers: Orphanet 140162, MedGen C0027672, MeSH D009386, MONDO:0015356.
Familial adenomatous polyposis 1 (FAP1). Also called: POLYPOSIS, ADENOMATOUS INTESTINAL; FAMILIAL ADENOMATOUS POLYPOSIS 1, ATTENUATED. Identifiers: MedGen C2713442, MONDO:0021056, OMIM 175100. Disease mechanism: loss of function.

Submissions (2):

Ambry Genetics
Classification: Likely benign for Hereditary cancer-predisposing syndrome. Last evaluated: 2024-02-23. Review status: criteria provided, single submitter. Criteria: Ambry Variant Classification Scheme 2023. Collection method: clinical testing. Allele origin: germline.

Myriad Genetics, Inc.
Classification: Benign for Familial adenomatous polyposis 1. Last evaluated: 2024-02-22. Review status: criteria provided, single submitter. Criteria: Myriad Autosomal Dominant, Autosomal Recessive and X-Linked Classification Criteria (2023). Collection method: clinical testing. Allele origin: unknown.
Comment: This variant is considered benign. This variant is a silent/synonymous amino acid change and it is not expected to impact splicing.

NM_000038.6(APC):c.33G>A (p.Lys11=)

Gene: APC (APC regulator of Wnt signaling pathway; plus strand). Cytogenetic location: 5q22.2.
Variant type: single nucleotide variant.
Coding change: c.33G>A on transcript NM_000038.6 (MANE Select); coding-DNA position 33, G replaced by A.
Protein change: p.Lys11=; no amino-acid change (lysine 11 retained).
Molecular consequence: synonymous variant. On other transcripts: 5 prime UTR variant (4), non-coding transcript variant (2), intron variant (11).
Genome position (GRCh38, 1-based): chr5:112,754,923, G>A. VCF-style: chr5-112754923-G-A. GRCh37 (hg19) VCF-style: chr5-112090620-G-A.
Other names: c.33G>A, p.Lys11= (NM_001127510.3, NM_001354895.2, NM_001354896.2 and 16 more transcripts); c.-1003G>A (NM_001354906.2, NM_001407470.1, NM_001407471.1 and 1 more transcripts); c.166-11403G>A (NM_001407446.1, NM_001354897.2, NM_001354902.2 and 1 more transcripts); c.-42-11403G>A (NM_001407453.1, NM_001354900.2, NM_001354901.2 and 1 more transcripts); c.61-11403G>A (NM_001407451.1, NM_001354898.2, NM_001354904.2); c.33G>A (NM_000038.5).
Identifiers: ClinVar variation 3148043 (VCV003148043.1), dbSNP rs2149737598, ClinGen allele CA445752339.